The following is an entry in ClinVar:

NM_002778.4(PSAP):c.1415C>T (p.Pro472Leu)

Gene: PSAP (prosaposin; minus strand). Cytogenetic location: 10q22.1.
Variant type: single nucleotide variant.
Coding change: c.1415C>T on transcript NM_002778.4 (MANE Select); coding-DNA position 1415, C replaced by T.
Protein change: p.Pro472Leu; replaces proline 472 with leucine.
Molecular consequence: missense variant.
Genome position (GRCh38, 1-based): chr10:71,819,047, G>A on the plus strand (C>T on the coding strand, the complement: PSAP is on the minus strand). VCF-style: chr10-71819047-G-A. GRCh37 (hg19) VCF-style: chr10-73578804-G-A.
Other names: c.1424C>T, p.Pro475Leu (NM_001042465.3); c.1421C>T, p.Pro474Leu (NM_001042466.3); c.1415C>T (NM_002778.2); short protein forms P472L, P474L, P475L.
Identifiers: ClinVar variation 2162371 (VCV002162371.2), dbSNP rs751557455, ClinGen allele CA5547362.

ClinVar aggregate classification (germline): Uncertain significance. Review status: criteria provided, multiple submitters, no conflicts (2 of 4 stars). 2 submissions from 2 submitters: Uncertain significance (2). Last evaluated 2025-04-11.

Conditions:
Sphingolipid activator protein 1 deficiency. Also called: METACHROMATIC LEUKODYSTROPHY DUE TO CEREBROSIDE SULFATASE ACTIVATOR DEFICIENCY; Metachromatic leukodystrophy due to saposin B deficiency; Saposin B Deficiency. Identifiers: Orphanet 512, MedGen C0268262, MONDO:0009590, OMIM 249900.
Inborn genetic diseases. Identifiers: MedGen C0950123, MeSH D030342.

Allele frequency attached by ClinVar (database versions not stated): gnomAD 0.00004; gnomAD exomes below 0.00001; ExAC 0.00003; TOPMed 0.00004.
gnomAD v4.1: 8 of 1,614,018 alleles (0.0005%); highest among the groups gnomAD compares: African/African-American, 0.011%; no homozygotes.

Submissions (2):

Ambry Genetics
Classification: Uncertain significance for Inborn genetic diseases. Last evaluated: 2025-04-11. Review status: criteria provided, single submitter. Criteria: Ambry Variant Classification Scheme 2023. Collection method: clinical testing. Allele origin: germline.

Labcorp Genetics (formerly Invitae), Labcorp
Classification: Uncertain significance for Sphingolipid activator protein 1 deficiency. Last evaluated: 2022-04-10. Review status: criteria provided, single submitter. Criteria: Invitae Variant Classification Sherloc (09022015). Collection method: clinical testing. Allele origin: germline.
Comment: This sequence change replaces proline, which is neutral and non-polar, with leucine, which is neutral and non-polar, at codon 472 of the PSAP protein (p.Pro472Leu). This variant is present in population databases (rs751557455, gnomAD 0.02%). This variant has not been reported in the literature in individuals affected with PSAP-related conditions. Algorithms developed to predict the effect of missense changes on protein structure and function are either unavailable or do not agree on the potential impact of this missense change (SIFT: "Not Available"; PolyPhen-2: "Probably Damaging"; Align-GVGD: "Not Available"). In summary, the available evidence is currently insufficient to determine the role of this variant in disease. Therefore, it has been classified as a Variant of Uncertain Significance.